The following is an entry in ClinVar:

NM_052867.4(NALCN):c.2118+6A>T

Gene: NALCN (sodium leak channel, non-selective; minus strand). Cytogenetic location: 13q33.1.
Variant type: single nucleotide variant.
Coding change: c.2118+6A>T on transcript NM_052867.4 (MANE Select); 6 bases into the intron after coding-DNA position 2118, A replaced by T.
Molecular consequence: intron variant.
Genome position (GRCh38, 1-based): chr13:101,143,074, T>A on the plus strand (A>T on the coding strand, the complement: NALCN is on the minus strand). VCF-style: chr13-101143074-T-A. GRCh37 (hg19) VCF-style: chr13-101795425-T-A.
Other names: c.2031+6A>T (NM_001350750.2, NM_001350751.2); c.2118+6A>T (NM_001350748.2, NM_001350749.2).
Identifiers: ClinVar variation 2643898 (VCV002643898.26), dbSNP rs751874776, ClinGen allele CA7035974.

ClinVar aggregate classification (germline): Conflicting classifications of pathogenicity. Review status: criteria provided, conflicting classifications (1 of 4 stars). 3 submissions from 3 submitters: Uncertain significance (2); Likely benign (1). Last evaluated 2026-06-10.

Allele frequency attached by ClinVar (database versions not stated): ExAC 0.00001; gnomAD 0.00005; gnomAD exomes 0.00006.
gnomAD v4.1: 106 of 1,613,990 alleles (0.0066%); highest among the groups gnomAD compares: Non-Finnish European, 0.0083%; no homozygotes.

Submissions (3):

Women's Health and Genetics/Laboratory Corporation of America, LabCorp
Classification: Uncertain significance. Last evaluated: 2026-06-10. Review status: criteria provided, single submitter. Criteria: LabCorp Variant Classification Summary - May 2015. Collection method: clinical testing. Allele origin: germline.
Comment: Variant summary: NALCN c.2118+6A>T alters a conserved nucleotide located close to a canonical splice site and therefore could affect mRNA splicing, leading to a significantly altered protein sequence. Consensus agreement among computation tools predict no significant impact on normal splicing. However, these predictions have yet to be confirmed by functional studies. The variant allele was found at a frequency of 2e-05 in 251456 control chromosomes. The available data on variant occurrences in the general population are insufficient to allow any conclusion about variant significance. To our knowledge, no occurrence of c.2118+6A>T in individuals affected with NALCN-related conditions and no experimental evidence demonstrating its impact on protein function have been reported. ClinVar contains an entry for this variant (Variation ID: 2643898). Based on the evidence outlined above, the variant was classified as uncertain significance.

Labcorp Genetics (formerly Invitae), Labcorp
Classification: Uncertain significance. Last evaluated: 2025-11-11. Review status: criteria provided, single submitter. Criteria: Invitae Variant Classification Sherloc (09022015). Collection method: clinical testing. Allele origin: germline.
Comment: This sequence change falls in intron 17 of the NALCN gene. It does not directly change the encoded amino acid sequence of the NALCN protein. It affects a nucleotide within the consensus splice site. This variant is present in population databases (rs751874776, gnomAD 0.004%). This variant has not been reported in the literature in individuals affected with NALCN-related conditions. ClinVar contains an entry for this variant (Variation ID: 2643898). Variants that disrupt the consensus splice site are a relatively common cause of aberrant splicing (PMID: 17576681, 9536098). Algorithms developed to predict the effect of sequence changes on RNA splicing suggest that this variant is not likely to affect RNA splicing. In summary, the available evidence is currently insufficient to determine the role of this variant in disease. Therefore, it has been classified as a Variant of Uncertain Significance.

CeGaT Center for Human Genetics Tuebingen
Classification: Likely benign. Last evaluated: 2022-12-01. Review status: criteria provided, single submitter. Criteria: CeGaT Center For Human Genetics Tuebingen Variant Classification Criteria Version 2. Collection method: clinical testing. Allele origin: germline. Affected: yes. Observed: 1 variant allele.
Comment: NALCN: BP4

Literature cited by the submitters: PubMed 17576681 (cited by Labcorp Genetics (formerly Invitae), Labcorp); PubMed 9536098 (cited by Labcorp Genetics (formerly Invitae), Labcorp).